The following is an entry in ClinVar:

NM_000094.4(COL7A1):c.6652-2A>G

Gene: COL7A1 (collagen type VII alpha 1 chain; minus strand). Cytogenetic location: 3p21.31.
Variant type: single nucleotide variant.
Coding change: c.6652-2A>G on transcript NM_000094.4 (MANE Select); the canonical splice acceptor site of the intron before coding-DNA position 6652, A replaced by G.
Molecular consequence: splice acceptor variant.
Genome position (GRCh38, 1-based): chr3:48,573,238, T>C on the plus strand (A>G on the coding strand, the complement: COL7A1 is on the minus strand). VCF-style: chr3-48573238-T-C. GRCh37 (hg19) VCF-style: chr3-48610671-T-C.
Identifiers: ClinVar variation 2627488 (VCV002627488.3), dbSNP rs2044058094, ClinGen allele CA352655851.
Genomic context (GRCh38, chr3:48,573,238, plus strand): 5'-AGGCCTGAAGGGCCGGGGGGTCCAGGAAGTCCCACAGCTCCAGTAGGTCCAGTCAGGCCC[T>C]GGAGGAAGAGAAAGTTCAGGGCAGTGCCAACCCCACCCATCTCCCTATGACCCTAACCTG-3'

ClinVar aggregate classification (germline): Likely pathogenic. Review status: criteria provided, multiple submitters, no conflicts (2 of 4 stars). 3 submissions from 3 submitters: Likely pathogenic (3). Last evaluated 2024-10-26.

Conditions:
Recessive dystrophic epidermolysis bullosa (RDEB). Also called: EPIDERMOLYSIS BULLOSA DYSTROPHICA, GENERALIZED SEVERE, AUTOSOMAL RECESSIVE; epidermolysis bullosa dystrophica, autosomal recessive; Hallopeau-Siemens Disease; DYSTROPHIC EPIDERMOLYSIS BULLOSA, AUTOSOMAL RECESSIVE; Epidermolysis Bullosa Distrophica Autosomal Recessive (RDEB); EPIDERMOLYSIS BULLOSA DYSTROPHICA, HALLOPEAU-SIEMENS TYPE. Identifiers: Orphanet 79408, Orphanet 79409, MedGen C0079474, MONDO:0009179, OMIM 226600.
COL7A1-related disorder. Also called: COL7A1-related condition; COL7A1- related disorders.
Epidermolysis bullosa dystrophica. Also called: Dystrophic epidermolysis bullosa, Hallopeau-Siemens type (formerly); Dystrophic epidermolysis bullosa. Identifiers: Orphanet 303, MedGen C0079294, MONDO:0006543.

Allele frequency attached by ClinVar (database versions not stated): TOPMed below 0.00001.

Submissions (3):

Natera, Inc.
Classification: Likely pathogenic for Dystrophic epidermolysis bullosa. Last evaluated: 2024-10-26. Review status: criteria provided, single submitter. Criteria: Natera Variant Classification Schema (03/2026). Collection method: clinical testing. Allele origin: germline.
Comment: The c.6652-2A>G variant in COL7A1 is a canonical splice acceptor site variant predicted to affect pre-mRNA splicing, which may result in an abnormal transcript and altered protein product. This variant is expected to result in nonsense mediated decay, truncation, or a dysfunctional protein product. This variant is rare in the general population with a frequency below the threshold expected for the associated phenotype(s). Given the available evidence, this variant is classified as Likely Pathogenic.

Blueprint Genetics
Classification: Likely pathogenic for COL7A1-related disorders. Last evaluated: 2022-09-16. Review status: criteria provided, single submitter. Criteria: ACMG Guidelines, 2015. Collection method: clinical testing. Allele origin: germline. Affected: yes. Observed: 1 variant allele.

Neuberg Centre For Genomic Medicine, NCGM
Classification: Likely pathogenic for Recessive dystrophic epidermolysis bullosa. Review status: criteria provided, single submitter. Criteria: ACMG Guidelines, 2015. Collection method: clinical testing. Allele origin: germline. Inheritance: Autosomal recessive inheritance. Affected: yes.
Comment: The splice acceptor variant c.6652-2A>G in COL7A1 (NM_000094.4) has not been reported previously as a pathogenic variant nor as a benign variant, to our knowledge. The c.6652-2A>G variant is novel (not in any individuals) in gnomAD Exomes and is novel (not in any individuals) in 1000 Genomes.The c.6652-2A>G variant is a loss of function variant in the gene COL7A1. For these reasons, this variant has been classified as Likely Pathogenic.